The following is an entry in ClinVar:

ClinVar aggregate classification (germline): Uncertain significance (1 of 4 stars; one submission).

Submission:

GeneDx
Classification: Uncertain significance. Last evaluated: 2025-05-11. Review status: criteria provided, single submitter. Criteria: GeneDx Variant Classification Process June 2021. Collection method: clinical testing. Allele origin: germline. Affected: yes.
Comment: Not observed at significant frequency in large population cohorts (gnomAD); Frameshift variant predicted to result in protein truncation or nonsense mediated decay in a gene or region of a gene for which loss of function is not a well-established mechanism of disease; Has not been previously published as pathogenic or benign to our knowledge

NM_002971.6(SATB1):c.485_486del (p.His162fs)

Gene: SATB1 (SATB homeobox 1; minus strand). Cytogenetic location: 3p24.3.
Variant type: Deletion.
Coding change: c.485_486del on transcript NM_002971.6 (MANE Select); coding-DNA positions 485 to 486, 2 bases deleted (AT; older notation c.485_486delAT).
Protein change: p.His162fs; shifts the reading frame from histidine 162.
Molecular consequence: frameshift variant.
Genome position (GRCh38, 1-based): chr3:18,416,036-18,416,037, AT deleted on the plus strand (AT on the coding strand, the reverse complement: SATB1 is on the minus strand). VCF-style (leftmost placement, unchanged base first): chr3-18416035-CAT-C. GRCh37 (hg19) VCF-style: chr3-18457527-CAT-C.
Other names: c.485_486del, p.His162fs (NM_001131010.4, NM_001195470.3, NM_001322871.2 and 4 more transcripts); c.269_270del, p.His90fs (NM_001322876.2); short protein forms H162fs, H90fs.
Identifiers: ClinVar variation 4529761 (VCV004529761.1).